The following is an entry in ClinVar:

NM_014855.3(AP5Z1):c.333G>C (p.Gln111His)

Gene: AP5Z1 (adaptor related protein complex 5 subunit zeta 1; plus strand). Cytogenetic location: 7p22.1.
Variant type: single nucleotide variant.
Coding change: c.333G>C on transcript NM_014855.3 (MANE Select); coding-DNA position 333, G replaced by C.
Protein change: p.Gln111His; replaces glutamine 111 with histidine.
Molecular consequence: missense variant. On other transcripts: non-coding transcript variant (1), intron variant (1).
Genome position (GRCh38, 1-based): chr7:4,781,721, G>C. VCF-style: chr7-4781721-G-C. GRCh37 (hg19) VCF-style: chr7-4821352-G-C.
Other names: p.Gln111His; c.333G>C, p.Gln111His (LRG_1247t1); c.-103+409G>C (NM_001364858.1); short protein forms Q111H.
Identifiers: ClinVar variation 128414 (VCV000128414.29), dbSNP rs11549840, ClinGen allele CA151867.

ClinVar aggregate classification (germline): Benign/Likely benign. Review status: criteria provided, multiple submitters, no conflicts (2 of 4 stars). 9 submissions from 9 submitters: Benign (4); Likely benign (4). 1 of the submissions does not count toward it. Last evaluated 2026-02-01.

Conditions:
Hereditary spastic paraplegia. Also called: Familial spastic paraparesis. Identifiers: Orphanet 685, MedGen C0037773, MONDO:0019064. Disease mechanism: loss of function.
Hereditary spastic paraplegia 48. Also called: SPASTIC PARAPLEGIA 48, AUTOSOMAL RECESSIVE; Spastic paraplegia 48. Identifiers: Orphanet 306511, MedGen C3150901, MONDO:0013342, OMIM 613647.

Allele frequency attached by ClinVar (database versions not stated): 1000 Genomes Project 0.01258; 1000 Genomes Project 30x 0.01343; gnomAD 0.01556 and 0.01586; ESP Exome Variant Server 0.01707; TOPMed 0.01719; gnomAD exomes 0.01724 and 0.02116; ExAC 0.01807.
gnomAD v4.1: 32,830 of 1,581,108 alleles (2.1%); highest among the groups gnomAD compares: Middle Eastern, 4.9%; 442 homozygotes.

Submissions (9):

Labcorp Genetics (formerly Invitae), Labcorp
Classification: Benign for Hereditary spastic paraplegia 48. Last evaluated: 2026-02-01. Review status: criteria provided, single submitter. Criteria: Invitae Variant Classification Sherloc (09022015). Collection method: clinical testing. Allele origin: germline.

Blueprint Genetics
Classification: Likely benign. Last evaluated: 2024-11-26. Review status: criteria provided, single submitter. Criteria: ACMG Guidelines, 2015. Collection method: clinical testing. Allele origin: germline.

Athena Diagnostics
Classification: Benign. Last evaluated: 2024-02-20. Review status: criteria provided, single submitter. Criteria: Athena Diagnostics Criteria. Collection method: clinical testing. Allele origin: unknown.

GeneDx
Classification: Likely benign. Last evaluated: 2022-09-10. Review status: criteria provided, single submitter. Criteria: GeneDx Variant Classification Process June 2021. Collection method: clinical testing. Allele origin: germline. Affected: yes.
Comment: See Variant Classification Assertion Criteria.

Mayo Clinic Laboratories, Mayo Clinic
Classification: Benign. Last evaluated: 2022-05-26. Review status: criteria provided, single submitter. Criteria: ACMG Guidelines, 2015. Collection method: clinical testing. Allele origin: germline. Observed: 60 variant alleles.

Genome Diagnostics Laboratory, The Hospital for Sick Children
Classification: Benign for Hereditary spastic paraplegia. Last evaluated: 2021-10-09. Review status: criteria provided, single submitter. Criteria: ACMG Guidelines, 2015. Collection method: clinical testing. Allele origin: germline. Affected: yes.

Illumina Laboratory Services, Illumina
Classification: Likely benign for Hereditary spastic paraplegia 48. Last evaluated: 2018-01-13. Review status: criteria provided, single submitter. Criteria: ICSL Variant Classification Criteria 13 December 2019. Collection method: clinical testing. Allele origin: germline.
Comment: This variant was observed in the ICSL laboratory as part of a predisposition screen in an ostensibly healthy population. It had not been previously curated by ICSL or reported in the Human Gene Mutation Database (HGMD: prior to June 1st, 2018), and was therefore a candidate for classification through an automated scoring system. Utilizing variant allele frequency, disease prevalence and penetrance estimates, and inheritance mode, an automated score was calculated to assess if this variant is too frequent to cause the disease. Based on the score and internal cut-off values, a variant classified as likely benign is not then subjected to further curation. The score for this variant resulted in a classification of likely benign for this disease.

Breakthrough Genomics
Classification: Likely benign. Review status: criteria provided, single submitter. Criteria: ACMG Guidelines, 2015. Collection method: not provided. Allele origin: germline. Inheritance: Autosomal recessive inheritance. Affected: yes.

Genetic Services Laboratory, University of Chicago
Classification: Likely benign for AllHighlyPenetrant. Review status: no assertion criteria provided. Collection method: clinical testing. Allele origin: germline. Inheritance: Autosomal recessive inheritance. Not counted in ClinVar's aggregate classification.
Comment: Likely benign based on allele frequency in 1000 Genomes Project or ESP global frequency and its presence in a patient with a rare or unrelated disease phenotype. NOT Sanger confirmed.

Literature cited by the submitters: PubMed 25333062 (cited by Athena Diagnostics).